The following is an entry in ClinVar:

NM_006133.3(DAGLA):c.349G>A (p.Val117Ile)

Gene: DAGLA (diacylglycerol lipase alpha; plus strand). Cytogenetic location: 11q12.2.
Variant type: single nucleotide variant.
Coding change: c.349G>A on transcript NM_006133.3 (MANE Select); coding-DNA position 349, G replaced by A.
Protein change: p.Val117Ile; replaces valine 117 with isoleucine.
Molecular consequence: missense variant.
Genome position (GRCh38, 1-based): chr11:61,722,900, G>A. VCF-style: chr11-61722900-G-A. GRCh37 (hg19) VCF-style: chr11-61490372-G-A.
Other names: c.349G>A (NM_006133.2); short protein forms V117I.
Identifiers: ClinVar variation 4084563 (VCV004084563.8).

ClinVar aggregate classification (germline): Likely benign. Review status: criteria provided, multiple submitters, no conflicts (2 of 4 stars). 2 submissions from 2 submitters: Likely benign (2). Last evaluated 2025-11-19.

Conditions:
Inborn genetic diseases. Identifiers: MedGen C0950123, MeSH D030342.

gnomAD v4.1: 42 of 1,614,126 alleles (0.0026%); highest among the groups gnomAD compares: South Asian, 0.015%; no homozygotes.

Submissions (2):

Ambry Genetics
Classification: Likely benign for Inborn genetic diseases. Last evaluated: 2025-11-19. Review status: criteria provided, single submitter. Criteria: Ambry Variant Classification Scheme 2023. Collection method: clinical testing. Allele origin: germline.

CeGaT Center for Human Genetics Tuebingen
Classification: Likely benign. Last evaluated: 2025-08-01. Review status: criteria provided, single submitter. Criteria: CeGaT Center For Human Genetics Tuebingen Variant Classification Criteria Version 2. Collection method: clinical testing. Allele origin: germline. Affected: yes. Observed: 1 variant allele.
Comment: DAGLA: BP4